The following is an entry in ClinVar:

NM_080916.3(DGUOK):c.697A>G (p.Lys233Glu)

Gene: DGUOK (deoxyguanosine kinase; plus strand). Cytogenetic location: 2p13.1.
Variant type: single nucleotide variant.
Coding change: c.697A>G on transcript NM_080916.3 (MANE Select); coding-DNA position 697, A replaced by G.
Protein change: p.Lys233Glu; replaces lysine 233 with glutamic acid.
Molecular consequence: missense variant. On other transcripts: non-coding transcript variant (1), intron variant (2).
Genome position (GRCh38, 1-based): chr2:73,957,230, A>G. VCF-style: chr2-73957230-A-G. GRCh37 (hg19) VCF-style: chr2-74184357-A-G.
Other names: p.K233E:AAG>GAG; c.406A>G, p.Lys136Glu (NM_001318860.2, NM_001318861.2); c.388A>G, p.Lys130Glu (NM_001318862.2, NM_001318863.2); c.444-916A>G (NM_080918.3); c.426-916A>G (NM_001318859.2); c.697A>G (NM_080916.2); short protein forms K233E, K130E, K136E.
Identifiers: ClinVar variation 214278 (VCV000214278.11), dbSNP rs371342464, ClinGen allele CA321650.

ClinVar aggregate classification (germline): Conflicting classifications of pathogenicity. Review status: criteria provided, conflicting classifications (1 of 4 stars). 5 submissions from 5 submitters: Uncertain significance (4); Likely benign (1). Last evaluated 2025-09-28.

Conditions:
DGUOK-related disorder. Also called: DGUOK-related condition.
Inborn genetic diseases. Identifiers: MedGen C0950123, MeSH D030342.

Allele frequency attached by ClinVar (database versions not stated): TOPMed 0.00004; gnomAD 0.00005; ESP Exome Variant Server 0.00008; gnomAD exomes 0.00008 and 0.00002; ExAC 0.00003.
gnomAD v4.1: 124 of 1,613,462 alleles (0.0077%); highest among the groups gnomAD compares: Non-Finnish European, 0.01%; no homozygotes.

Submissions (5):

Ambry Genetics
Classification: Uncertain significance for Inborn genetic diseases. Last evaluated: 2025-09-28. Review status: criteria provided, single submitter. Criteria: Ambry Variant Classification Scheme 2023. Collection method: clinical testing. Allele origin: germline.

PreventionGenetics, part of Exact Sciences
Classification: Likely benign for DGUOK-related condition. Last evaluated: 2025-06-05. Review status: criteria provided, single submitter. Criteria: ACMG Guidelines, 2015. Collection method: clinical testing. Allele origin: germline.
Comment: This variant is classified as likely benign based on ACMG/AMP sequence variant interpretation guidelines (Richards et al. 2015 PMID: 25741868, with internal and published modifications).

GeneDx
Classification: Uncertain significance. Last evaluated: 2022-09-06. Review status: criteria provided, single submitter. Criteria: GeneDx Variant Classification Process June 2021. Collection method: clinical testing. Allele origin: germline. Affected: yes.
Comment: Not observed at significant frequency in large population cohorts (gnomAD); In silico analysis supports that this missense variant does not alter protein structure/function; Has not been previously published as pathogenic or benign to our knowledge

Labcorp Genetics (formerly Invitae), Labcorp
Classification: Uncertain significance. Last evaluated: 2022-08-20. Review status: criteria provided, single submitter. Criteria: Invitae Variant Classification Sherloc (09022015). Collection method: clinical testing. Allele origin: germline.
Comment: This sequence change replaces lysine, which is basic and polar, with glutamic acid, which is acidic and polar, at codon 233 of the DGUOK protein (p.Lys233Glu). This variant is present in population databases (rs371342464, gnomAD 0.005%). This variant has not been reported in the literature in individuals affected with DGUOK-related conditions. ClinVar contains an entry for this variant (Variation ID: 214278). Algorithms developed to predict the effect of missense changes on protein structure and function are either unavailable or do not agree on the potential impact of this missense change (SIFT: "Deleterious"; PolyPhen-2: "Possibly Damaging"; Align-GVGD: "Class C0"). In summary, the available evidence is currently insufficient to determine the role of this variant in disease. Therefore, it has been classified as a Variant of Uncertain Significance.

Eurofins Ntd Llc (ga)
Classification: Uncertain significance. Last evaluated: 2018-05-25. Review status: criteria provided, single submitter. Criteria: EGL ClinVar v180209 classification definitions. Collection method: clinical testing. Allele origin: germline. Observed: 1 variant allele, 1 heterozygote.